The following is an entry in ClinVar:

ClinVar aggregate classification (germline): Likely benign (0 of 4 stars; one submission).

Conditions:
TUBA4A-related disorder. Also called: TUBA4A-related condition.

Submission:

PreventionGenetics, part of Exact Sciences
Classification: Likely benign for TUBA4A-related condition. Last evaluated: 2023-10-03. Review status: no assertion criteria provided. Collection method: clinical testing. Allele origin: germline.
Comment: This variant is classified as likely benign based on ACMG/AMP sequence variant interpretation guidelines (Richards et al. 2015 PMID: 25741868, with internal and published modifications).

NM_006000.3(TUBA4A):c.1047A>G (p.Thr349=)

Gene: TUBA4A (tubulin alpha 4a; minus strand). Cytogenetic location: 2q35.
Variant type: single nucleotide variant.
Coding change: c.1047A>G on transcript NM_006000.3 (MANE Select); coding-DNA position 1047, A replaced by G.
Protein change: p.Thr349=; no amino-acid change (threonine 349 retained).
Molecular consequence: synonymous variant.
Genome position (GRCh38, 1-based): chr2:219,250,652, T>C on the plus strand (A>G on the coding strand, the complement: TUBA4A is on the minus strand). VCF-style: chr2-219250652-T-C. GRCh37 (hg19) VCF-style: chr2-220115374-T-C.
Other names: c.1002A>G, p.Thr334= (NM_001278552.2).
Identifiers: ClinVar variation 3057849 (VCV003057849.2), dbSNP rs1574883859, ClinGen allele CA431426120.